The following is an entry in ClinVar:

NR_001566.3(TERC):n.171dup

Genes: TERC (telomerase RNA component; minus strand), LOC110806306 (telomerase RNA component (TERC) promoter; plus strand). Cytogenetic location: 3q26.2.
Variant type: Duplication.
Genome position: GRCh38 VCF-style: chr3-169764884-A-AT. GRCh37 (hg19) VCF-style: chr3-169482672-A-AT.
Identifiers: ClinVar variation 2126177 (VCV002126177.4), dbSNP rs2474262343, ClinGen allele CA2580069064.

ClinVar aggregate classification (germline): Uncertain significance (1 of 4 stars; one submission).

Conditions:
Dyskeratosis congenita, autosomal dominant 1 (DKCA1). Also called: Dyskeratosis congenita Scoggins type. Identifiers: Orphanet 1775, MedGen C4551974, MONDO:0007485, OMIM 127550. Inheritance: Variable.

Submission:

Labcorp Genetics (formerly Invitae), Labcorp
Classification: Uncertain significance for Dyskeratosis congenita, autosomal dominant 1. Last evaluated: 2022-04-15. Review status: criteria provided, single submitter. Criteria: Invitae Variant Classification Sherloc (09022015). Collection method: clinical testing. Allele origin: germline.
Comment: This variant occurs in the TERC gene, which encodes an RNA molecule that does not result in a protein product. This variant is not present in population databases (gnomAD no frequency). In summary, the available evidence is currently insufficient to determine the role of this variant in disease. Therefore, it has been classified as a Variant of Uncertain Significance. This variant is located in a region of TERC in which a significant number of disease causing variants have been reported (PMID: 15082312, 21844345, 21931702). These observations suggest that this may be a clinically significant region. This variant is located within the template/pseudoknot domain of the TERC RNA component, which is required for RNA or RNP stability (PMID: 15082312, 21844345). This variant has not been reported in the literature in individuals affected with TERC-related conditions.

Literature cited by the submitters: PubMed 15082312; PubMed 21844345; PubMed 21931702.